The following is an entry in ClinVar:

NM_000611.6(CD59):c.292G>C (p.Glu98Gln)

Gene: CD59 (CD59 molecule (CD59 blood group); minus strand). Cytogenetic location: 11p13.
Variant type: single nucleotide variant.
Coding change: c.292G>C on transcript NM_000611.6 (MANE Select); coding-DNA position 292, G replaced by C.
Protein change: p.Glu98Gln; replaces glutamic acid 98 with glutamine.
Molecular consequence: missense variant.
Genome position (GRCh38, 1-based): chr11:33,710,221, C>G on the plus strand (G>C on the coding strand, the complement: CD59 is on the minus strand). VCF-style: chr11-33710221-C-G. GRCh37 (hg19) VCF-style: chr11-33731767-C-G.
Other names: c.292G>C, p.Glu98Gln (NM_001127223.1, NM_001127225.2, NM_001127226.2 and 4 more transcripts); short protein forms E98Q.
Identifiers: ClinVar variation 1928026 (VCV001928026.5), dbSNP rs754311428, ClinGen allele CA380020048.

ClinVar aggregate classification (germline): Uncertain significance (1 of 4 stars; one submission).

Submission:

Labcorp Genetics (formerly Invitae), Labcorp
Classification: Uncertain significance. Last evaluated: 2022-04-06. Review status: criteria provided, single submitter. Criteria: Invitae Variant Classification Sherloc (09022015). Collection method: clinical testing. Allele origin: germline.
Comment: In summary, the available evidence is currently insufficient to determine the role of this variant in disease. Therefore, it has been classified as a Variant of Uncertain Significance. Algorithms developed to predict the effect of missense changes on protein structure and function (SIFT, PolyPhen-2, Align-GVGD) all suggest that this variant is likely to be tolerated. This variant has not been reported in the literature in individuals affected with CD59-related conditions. This variant is not present in population databases (gnomAD no frequency). This sequence change replaces glutamic acid, which is acidic and polar, with glutamine, which is neutral and polar, at codon 98 of the CD59 protein (p.Glu98Gln).